The following is an entry in ClinVar:

ClinVar aggregate classification (germline): Uncertain significance (1 of 4 stars; one submission).

Submission:

GeneDx
Classification: Uncertain significance. Last evaluated: 2022-06-24. Review status: criteria provided, single submitter. Criteria: GeneDx Variant Classification Process June 2021. Collection method: clinical testing. Allele origin: germline. Affected: yes.
Comment: Not observed at significant frequency in large population cohorts (gnomAD); In silico analysis supports that this missense variant does not alter protein structure/function; Has not been previously published as pathogenic or benign to our knowledge

NM_005120.3(MED12):c.1977T>G (p.Asp659Glu)

Gene: MED12 (mediator complex subunit 12; plus strand). Cytogenetic location: Xq13.1.
Variant type: single nucleotide variant.
Coding change: c.1977T>G on transcript NM_005120.3 (MANE Select); coding-DNA position 1977, T replaced by G.
Protein change: p.Asp659Glu; replaces aspartic acid 659 with glutamic acid.
Molecular consequence: missense variant.
Genome position (GRCh38, 1-based): chrX:71,124,766, T>G. VCF-style: chrX-71124766-T-G. GRCh37 (hg19) VCF-style: chrX-70344616-T-G.
Other names: short protein forms D659E.
Identifiers: ClinVar variation 1806537 (VCV001806537.1), dbSNP rs2519676906, ClinGen allele CA413510373.